The following is an entry in ClinVar:

NM_000038.6(APC):c.3906G>A (p.Leu1302=)

Gene: APC (APC regulator of Wnt signaling pathway; plus strand). Cytogenetic location: 5q22.2.
Variant type: single nucleotide variant.
Coding change: c.3906G>A on transcript NM_000038.6 (MANE Select); coding-DNA position 3906, G replaced by A.
Protein change: p.Leu1302=; no amino-acid change (leucine 1302 retained).
Molecular consequence: synonymous variant.
Genome position (GRCh38, 1-based): chr5:112,839,500, G>A. VCF-style: chr5-112839500-G-A. GRCh37 (hg19) VCF-style: chr5-112175197-G-A.
Other names: c.3906G>A, p.Leu1302= (NM_001127510.3, NM_001354895.2); c.3852G>A, p.Leu1284= (NM_001127511.3); c.3960G>A, p.Leu1320= (NM_001354896.2); c.3936G>A, p.Leu1312= (NM_001354897.2); c.3831G>A, p.Leu1277= (NM_001354898.2); c.3822G>A, p.Leu1274= (NM_001354899.2); c.3783G>A, p.Leu1261= (NM_001354900.2); c.3729G>A, p.Leu1243= (NM_001354901.2); and 5 more.
Identifiers: ClinVar variation 485132 (VCV000485132.19), dbSNP rs756366532, ClinGen allele CA125167777.

ClinVar aggregate classification (germline): Benign/Likely benign. Review status: criteria provided, multiple submitters, no conflicts (2 of 4 stars). 5 submissions from 5 submitters: Benign (1); Likely benign (4). Last evaluated 2024-06-05.

Conditions:
Familial adenomatous polyposis 1 (FAP1). Also called: FAMILIAL ADENOMATOUS POLYPOSIS 1, ATTENUATED; POLYPOSIS, ADENOMATOUS INTESTINAL. Identifiers: MedGen C2713442, MONDO:0021056, OMIM 175100. Disease mechanism: loss of function.
Hereditary cancer-predisposing syndrome. Also called: Neoplastic Syndromes, Hereditary; Tumor predisposition; Hereditary Cancer Syndrome; Hereditary neoplastic syndrome. Identifiers: Orphanet 140162, MedGen C0027672, MeSH D009386, MONDO:0015356.
Classic or attenuated familial adenomatous polyposis. Identifiers: MedGen CN372698, MONDO:0021057.

Allele frequency attached by ClinVar (database versions not stated): gnomAD exomes below 0.00001 and 0.00004; TOPMed below 0.00001; gnomAD 0.00001.
gnomAD v4.1: 57 of 1,614,076 alleles (0.0035%); highest among the groups gnomAD compares: Non-Finnish European, 0.0048%; no homozygotes.

Submissions (5):

Labcorp Genetics (formerly Invitae), Labcorp
Classification: Likely benign for Familial adenomatous polyposis 1. Last evaluated: 2024-06-05. Review status: criteria provided, single submitter. Criteria: Invitae Variant Classification Sherloc (09022015). Collection method: clinical testing. Allele origin: germline.

Myriad Genetics, Inc.
Classification: Benign for Familial adenomatous polyposis 1. Last evaluated: 2024-03-22. Review status: criteria provided, single submitter. Criteria: Myriad Autosomal Dominant, Autosomal Recessive and X-Linked Classification Criteria (2023). Collection method: clinical testing. Allele origin: unknown.
Comment: This variant is considered benign. This variant is a silent/synonymous amino acid change and it is not expected to impact splicing.

All of Us Research Program, National Institutes of Health
Classification: Likely benign for Classic or attenuated familial adenomatous polyposis. Last evaluated: 2023-05-16. Review status: criteria provided, single submitter. Criteria: ACMG Guidelines, 2015. Collection method: clinical testing. Allele origin: germline. Inheritance: Autosomal dominant inheritance. Observed: 2 variant alleles, 2 heterozygotes.
Comment: This study involves interpretation of variants in research participants for the purpose of population health screening. Participant phenotype was not available at the time of variant classification. Additional details can be found in publication PMID: 35346344, PMCID: PMC8962531

Color Diagnostics, LLC DBA Color Health
Classification: Likely benign for Hereditary cancer-predisposing syndrome. Last evaluated: 2019-02-22. Review status: criteria provided, single submitter. Criteria: ACMG Guidelines, 2015. Collection method: clinical testing. Allele origin: germline.

Ambry Genetics
Classification: Likely benign for Hereditary cancer-predisposing syndrome. Last evaluated: 2016-08-05. Review status: criteria provided, single submitter. Criteria: Ambry Variant Classification Scheme 2023. Collection method: clinical testing. Allele origin: germline.